The following is an entry in ClinVar:

ClinVar aggregate classification (germline): Uncertain significance. Review status: criteria provided, multiple submitters, no conflicts (2 of 4 stars). 2 submissions from 2 submitters: Uncertain significance (2). Last evaluated 2024-05-19.

Conditions:
Hereditary cancer-predisposing syndrome. Also called: Neoplastic Syndromes, Hereditary; Hereditary neoplastic syndrome; Tumor predisposition; Hereditary Cancer Syndrome. Identifiers: Orphanet 140162, MedGen C0027672, MeSH D009386, MONDO:0015356.

Submissions (2):

Ambry Genetics
Classification: Uncertain significance for Hereditary cancer-predisposing syndrome. Last evaluated: 2024-05-19. Review status: criteria provided, single submitter. Criteria: Ambry Variant Classification Scheme 2023. Collection method: clinical testing. Allele origin: germline.
Comment: The p.C2109W variant (also known as c.6327C>G), located in coding exon 45 of the POLE gene, results from a C to G substitution at nucleotide position 6327. The cysteine at codon 2109 is replaced by tryptophan, an amino acid with highly dissimilar properties. This amino acid position is conserved. In addition, the in silico prediction for this alteration is inconclusive. Based on the available evidence, the clinical significance of this variant remains unclear.

Labcorp Genetics (formerly Invitae), Labcorp
Classification: Uncertain significance. Last evaluated: 2022-12-24. Review status: criteria provided, single submitter. Criteria: Invitae Variant Classification Sherloc (09022015). Collection method: clinical testing. Allele origin: germline.
Comment: This sequence change replaces cysteine, which is neutral and slightly polar, with tryptophan, which is neutral and slightly polar, at codon 2109 of the POLE protein (p.Cys2109Trp). In summary, the available evidence is currently insufficient to determine the role of this variant in disease. Therefore, it has been classified as a Variant of Uncertain Significance. Advanced modeling of protein sequence and biophysical properties (such as structural, functional, and spatial information, amino acid conservation, physicochemical variation, residue mobility, and thermodynamic stability) performed at Invitae indicates that this missense variant is expected to disrupt POLE protein function. This variant has not been reported in the literature in individuals affected with POLE-related conditions. This variant is not present in population databases (gnomAD no frequency).

NM_006231.4(POLE):c.6327C>G (p.Cys2109Trp)

Gene: POLE (DNA polymerase epsilon, catalytic subunit; minus strand). Cytogenetic location: 12q24.33.
Variant type: single nucleotide variant.
Coding change: c.6327C>G on transcript NM_006231.4 (MANE Select); coding-DNA position 6327, C replaced by G.
Protein change: p.Cys2109Trp; replaces cysteine 2109 with tryptophan.
Molecular consequence: missense variant.
Genome position (GRCh38, 1-based): chr12:132,632,318, G>C on the plus strand (C>G on the coding strand, the complement: POLE is on the minus strand). VCF-style: chr12-132632318-G-C. GRCh37 (hg19) VCF-style: chr12-133208904-G-C.
Other names: c.6327C>G (NM_006231.2); short protein forms C2109W.
Identifiers: ClinVar variation 2823707 (VCV002823707.4), dbSNP rs371146029, ClinGen allele CA387369156.